The following is an entry in ClinVar:

ClinVar aggregate classification (germline): Uncertain significance. Review status: criteria provided, multiple submitters, no conflicts (2 of 4 stars). 2 submissions from 2 submitters: Uncertain significance (2). Last evaluated 2025-02-28.

Conditions:
Inborn genetic diseases. Identifiers: MedGen C0950123, MeSH D030342.

Allele frequency attached by ClinVar (database versions not stated): gnomAD exomes 0.00001; ExAC 0.00002; TOPMed 0.00002.
gnomAD v4.1: 8 of 1,613,884 alleles (0.0005%); highest among the groups gnomAD compares: Middle Eastern, 0.033%; no homozygotes.

Submissions (2):

Ambry Genetics
Classification: Uncertain significance for Inborn genetic diseases. Last evaluated: 2025-02-28. Review status: criteria provided, single submitter. Criteria: Ambry Variant Classification Scheme 2023. Collection method: clinical testing. Allele origin: germline.
Comment: The p.Q35K variant (also known as c.103C>A), located in coding exon 1 of the SAMD9L gene, results from a C to A substitution at nucleotide position 103. The glutamine at codon 35 is replaced by lysine, an amino acid with similar properties. This amino acid position is conserved. In addition, this alteration is predicted to be tolerated by in silico analysis. Based on the available evidence, the clinical significance of this variant remains unclear.

Labcorp Genetics (formerly Invitae), Labcorp
Classification: Uncertain significance. Last evaluated: 2022-12-24. Review status: criteria provided, single submitter. Criteria: Invitae Variant Classification Sherloc (09022015). Collection method: clinical testing. Allele origin: germline.
Comment: In summary, the available evidence is currently insufficient to determine the role of this variant in disease. Therefore, it has been classified as a Variant of Uncertain Significance. Algorithms developed to predict the effect of missense changes on protein structure and function are either unavailable or do not agree on the potential impact of this missense change (SIFT: "Not Available"; PolyPhen-2: "Benign"; Align-GVGD: "Not Available"). This variant has not been reported in the literature in individuals affected with SAMD9L-related conditions. This variant is present in population databases (rs765928519, gnomAD 0.01%). This sequence change replaces glutamine, which is neutral and polar, with lysine, which is basic and polar, at codon 35 of the SAMD9L protein (p.Gln35Lys).

NM_152703.5(SAMD9L):c.103C>A (p.Gln35Lys)

Gene: SAMD9L (sterile alpha motif domain containing 9 like; minus strand). Cytogenetic location: 7q21.2.
Variant type: single nucleotide variant.
Coding change: c.103C>A on transcript NM_152703.5 (MANE Select); coding-DNA position 103, C replaced by A.
Protein change: p.Gln35Lys; replaces glutamine 35 with lysine.
Molecular consequence: missense variant.
Genome position (GRCh38, 1-based): chr7:93,135,869, G>T on the plus strand (C>A on the coding strand, the complement: SAMD9L is on the minus strand). VCF-style: chr7-93135869-G-T. GRCh37 (hg19) VCF-style: chr7-92765182-G-T.
Other names: c.103C>A, p.Gln35Lys (NM_001303496.3, NM_001303497.3, NM_001303498.3 and 5 more transcripts); c.103C>A (NM_152703.2); short protein forms Q35K.
Identifiers: ClinVar variation 1917327 (VCV001917327.4), dbSNP rs765928519, ClinGen allele CA4343931.